The following is an entry in ClinVar:

ClinVar aggregate classification (germline): Benign (1 of 4 stars; one submission).

Allele frequency attached by ClinVar (database versions not stated): 1000 Genomes Project 30x 0.09931; 1000 Genomes Project 0.10064; gnomAD 0.15553; ESP Exome Variant Server 0.16792.
gnomAD v4.1: 304,581 of 1,613,990 alleles (19%); highest among the groups gnomAD compares: Non-Finnish European, 22%; 31,360 homozygotes.

Submission:

Unidad de Genómica Garrahan, Hospital de Pediatría Garrahan
Classification: Benign. Last evaluated: 2024-01-24. Review status: criteria provided, single submitter. Criteria: ACMG Guidelines, 2015. Collection method: clinical testing. Allele origin: germline. Affected: no. Observed: 19 variant alleles.
Comment: This variant is classified as Benign based on local population frequency. This variant was detected in 22% of patients studied by a panel of primary immunodeficiencies. Number of patients: 19. Only high quality variants are reported.

NM_001040458.3(ERAP1):c.2174G>A (p.Arg725Gln)

Gene: ERAP1 (endoplasmic reticulum aminopeptidase 1; minus strand). Cytogenetic location: 5q15.
Variant type: single nucleotide variant.
Coding change: c.2174G>A on transcript NM_001040458.3 (MANE Select); coding-DNA position 2174, G replaced by A.
Protein change: p.Arg725Gln; replaces arginine 725 with glutamine.
Molecular consequence: missense variant.
Genome position (GRCh38, 1-based): chr5:96,783,162, C>T on the plus strand (G>A on the coding strand, the complement: ERAP1 is on the minus strand). VCF-style: chr5-96783162-C-T. GRCh37 (hg19) VCF-style: chr5-96118866-C-T.
Other names: c.2174G>A, p.Arg725Gln (NM_001198541.3, NM_001349244.2, NM_016442.5); short protein forms R725Q.
Identifiers: ClinVar variation 2688505 (VCV002688505.2), dbSNP rs17482078, ClinGen allele CA3352013.